The following is an entry in ClinVar:

NM_001110556.2(FLNA):c.2827-2A>C

Gene: FLNA (filamin A; minus strand). Cytogenetic location: Xq28.
Variant type: single nucleotide variant.
Coding change: c.2827-2A>C on transcript NM_001110556.2 (MANE Select); the canonical splice acceptor site of the intron before coding-DNA position 2827, A replaced by C.
Molecular consequence: splice acceptor variant.
Genome position (GRCh38, 1-based): chrX:154,361,789, T>G on the plus strand (A>C on the coding strand, the complement: FLNA is on the minus strand). VCF-style: chrX-154361789-T-G. GRCh37 (hg19) VCF-style: chrX-153590157-T-G.
Other names: c.2827-2A>C (NM_001456.4).
Identifiers: ClinVar variation 859086 (VCV000859086.8), dbSNP rs2067713488, ClinGen allele CA415232055.

ClinVar aggregate classification (germline): Likely pathogenic (1 of 4 stars; one submission).

Conditions:
Frontometaphyseal dysplasia (FMD1). Identifiers: Orphanet 1826, MedGen C0265293, MONDO:0015942.
Oto-palato-digital syndrome, type II (OPD2). Also called: FACIOPALATOOSSEOUS SYNDROME; OPD II SYNDROME; Otopalatodigital Syndrome, Type II; Otopalatodigital Syndrome Type 2 (FLNA-OPD2). Identifiers: Orphanet 669, Orphanet 90652, MedGen C1844696, MONDO:0010571, OMIM 304120.
Heterotopia, periventricular, X-linked dominant (PVNH1). Also called: PERIVENTRICULAR NODULAR HETEROTOPIA 1; X-linked periventricular heterotopia; PERIVENTRICULAR NODULAR HETEROTOPIA 4; HETEROTOPIA, PERIVENTRICULAR, 1. Identifiers: Orphanet 2149, Orphanet 82004, MedGen C1848213, MONDO:0010233, OMIM 300049.
Melnick-Needles syndrome (MNS). Also called: MELNICK-NEEDLES OSTEODYSPLASTY; OSTEODYSPLASTY OF MELNICK AND NEEDLES; Melnick-Needles Syndrome (FLNA-MNS). Identifiers: Orphanet 2484, MedGen C0025237, MONDO:0010650, OMIM 309350.

Submission:

Labcorp Genetics (formerly Invitae), Labcorp
Classification: Likely pathogenic for Oto-palato-digital syndrome, type II; Heterotopia, periventricular, X-linked dominant; Frontometaphyseal dysplasia; Melnick-Needles syndrome. Last evaluated: 2019-11-21. Review status: criteria provided, single submitter. Criteria: Invitae Variant Classification Sherloc (09022015). Collection method: clinical testing. Allele origin: germline.
Comment: In summary, the currently available evidence indicates that the variant is pathogenic, but additional data are needed to prove that conclusively. Therefore, this variant has been classified as Likely Pathogenic. Donor and acceptor splice site variants typically lead to a loss of protein function (PMID: 16199547), and loss-of-function variants in FLNA are known to be pathogenic (PMID: 16684786, 20730588, 26471271). This variant has not been reported in the literature in individuals with FLNA-related conditions. This variant is not present in population databases (ExAC no frequency). This sequence change affects an acceptor splice site in intron 19 of the FLNA gene. It is expected to disrupt RNA splicing and likely results in an absent or disrupted protein product.

Literature cited by the submitters: PubMed 16199547; PubMed 16684786; PubMed 20730588; PubMed 26471271.